The following is an entry in ClinVar:

ClinVar aggregate classification (germline): Benign (1 of 4 stars; one submission).

Allele frequency attached by ClinVar (database versions not stated): 1000 Genomes Project 0.02416; gnomAD 0.02616 and 0.02812; 1000 Genomes Project 30x 0.02826; TOPMed 0.02915.

Submission:

GeneDx
Classification: Benign. Last evaluated: 2018-06-16. Review status: criteria provided, single submitter. Criteria: GeneDx Variant Classification (06012015). Collection method: clinical testing. Allele origin: germline. Affected: yes.
Comment: This variant is considered likely benign or benign based on one or more of the following criteria: it is a conservative change, it occurs at a poorly conserved position in the protein, it is predicted to be benign by multiple in silico algorithms, and/or has population frequency not consistent with disease.

NM_001258392.3(CLPB):c.646+188del

Gene: CLPB (ClpB family mitochondrial disaggregase; minus strand). Cytogenetic location: 11q13.4.
Variant type: Deletion.
Coding change: c.646+188del on transcript NM_001258392.3 (MANE Select); 188 bases into the intron after coding-DNA position 646, one base deleted (T; older notation c.646+188delT).
Molecular consequence: intron variant.
Genome position (GRCh38, 1-based): chr11:72,380,093, A deleted on the plus strand (T on the coding strand, the reverse complement: CLPB is on the minus strand). VCF-style (leftmost placement, unchanged base first): chr11-72380092-CA-C. GRCh37 (hg19) VCF-style: chr11-72091136-CA-C.
Other names: c.559+188del (NM_001258393.3); c.646+188del (NM_030813.6); c.511+188del (NM_001258394.3).
Identifiers: ClinVar variation 673662 (VCV000673662.1), dbSNP rs144832068, ClinGen allele CA224480181.